The following is an entry in ClinVar:

ClinVar aggregate classification (germline): Likely pathogenic (1 of 4 stars; one submission).

Submission:

Centre of Medical Genetics, University Hospital Muenster
Classification: Likely pathogenic. Last evaluated: 2024-07-18. Review status: criteria provided, single submitter. Criteria: ACMG Guidelines, 2015. Collection method: clinical testing. Allele origin: unknown. Affected: yes. Observed: 1 variant allele, 1 heterozygote.
Comment: ACMG categories: PVS1,PM2

NM_213599.3(ANO5):c.1258G>T (p.Glu420Ter)

Gene: ANO5 (anoctamin 5; plus strand). Cytogenetic location: 11p14.3.
Variant type: single nucleotide variant.
Coding change: c.1258G>T on transcript NM_213599.3 (MANE Select); coding-DNA position 1258, G replaced by T.
Protein change: p.Glu420Ter; replaces glutamic acid 420 with a stop codon.
Molecular consequence: nonsense.
Genome position (GRCh38, 1-based): chr11:22,255,448, G>T. VCF-style: chr11-22255448-G-T. GRCh37 (hg19) VCF-style: chr11-22276994-G-T.
Other names: c.1255G>T, p.Glu419Ter (NM_001142649.2); c.1216G>T, p.Glu406Ter (NM_001410963.1); c.1213G>T, p.Glu405Ter (NM_001410964.1); short protein forms E405*, E406*, E419*, E420*.
Identifiers: ClinVar variation 3383423 (VCV003383423.2).